The following is an entry in ClinVar:

NM_000238.4(KCNH2):c.1874T>A (p.Val625Glu)

Gene: KCNH2 (potassium voltage-gated channel subfamily H member 2; minus strand). Cytogenetic location: 7q36.1.
Variant type: single nucleotide variant.
Coding change: c.1874T>A on transcript NM_000238.4 (MANE Select); coding-DNA position 1874, T replaced by A.
Protein change: p.Val625Glu; replaces valine 625 with glutamic acid.
Molecular consequence: missense variant.
Genome position (GRCh38, 1-based): chr7:150,951,519, A>T on the plus strand (T>A on the coding strand, the complement: KCNH2 is on the minus strand). VCF-style: chr7-150951519-A-T. GRCh37 (hg19) VCF-style: chr7-150648607-A-T.
Other names: c.1874T>A (LRG_288t1); c.854T>A, p.Val285Glu (NM_172057.3, NM_001204798.2); c.1586T>A, p.Val529Glu (NM_001406753.1, NM_001406756.1); c.1697T>A, p.Val566Glu (NM_001406755.1); c.1574T>A, p.Val525Glu (NM_001406757.1); c.1874T>A, p.Val625Glu (NM_172056.3); short protein forms V285E, V625E, V525E, V529E, V566E.
Identifiers: ClinVar variation 67303 (VCV000067303.3), dbSNP rs199472951, ClinGen allele CA005736.
Genomic context (GRCh38, chr7:150,951,519, plus strand): 5'-ATGACGCAGATGGAGAAGATCTTCTCTGAGTTGGTGTTGGGAGAGACGTTGCCGAAGCCC[A>T]CACTGGTGAGGCTGCTGAAGGTGAAGTAGAGCGCCGTCACATACTTGTCCTTGATGGAGG-3'
Protein context (NP_000229.1, residues 615-635): LYFTFSSLTS[Val625Glu]GFGNVSPNTN

ClinVar aggregate classification (germline): not provided (0 of 4 stars; one submission).

Conditions:
Familial long QT syndrome (RWS). Also called: Congenital long QT syndrome; Romano-Ward syndrome; VENTRICULAR FIBRILLATION WITH PROLONGED QT INTERVAL. Identifiers: Orphanet 768, MedGen C1141890, MONDO:0019171.

Submission:

Cardiovascular Biomedical Research Unit, Royal Brompton & Harefield NHS Foundation Trust
No classification provided. Condition: Familial long QT syndrome. Review status: no classification provided. Collection method: literature only. Allele origin: germline.
Comment: This variant has been reported as associated with Long QT syndrome in the following publications (PMID:12566525;PMID:19841300). This is a literature report, and does not necessarily reflect the clinical interpretation of the Imperial College / Royal Brompton Cardiovascular Genetics laboratory.

Literature cited by the submitters: PubMed 12566525; PubMed 19841300; PubMed 22581653.